The following is an entry in ClinVar:

NM_152383.5(DIS3L2):c.2309C>T (p.Ser770Leu)

Gene: DIS3L2 (DIS3 like 3'-5' exoribonuclease 2; plus strand). Cytogenetic location: 2q37.1.
Variant type: single nucleotide variant.
Coding change: c.2309C>T on transcript NM_152383.5 (MANE Select); coding-DNA position 2309, C replaced by T.
Protein change: p.Ser770Leu; replaces serine 770 with leucine.
Molecular consequence: missense variant. On other transcripts: non-coding transcript variant (2), intron variant (1).
Genome position (GRCh38, 1-based): chr2:232,334,650, C>T. VCF-style: chr2-232334650-C-T. GRCh37 (hg19) VCF-style: chr2-233199360-C-T.
Other names: c.1582-8695C>T (NM_001257281.2); short protein forms S770L.
Identifiers: ClinVar variation 463103 (VCV000463103.12), dbSNP rs1553551852, ClinGen allele CA350977942.

ClinVar aggregate classification (germline): Uncertain significance (1 of 4 stars; one submission).

Conditions:
Perlman syndrome (PRLMNS). Identifiers: Orphanet 2849, MedGen C0796113, MONDO:0009965, OMIM 267000.

Allele frequency attached by ClinVar (database versions not stated): gnomAD exomes below 0.00001.
gnomAD v4.1: 2 of 1,609,278 alleles (0.00012%); highest among the groups gnomAD compares: Non-Finnish European, 0.00017%; no homozygotes.

Submission:

Labcorp Genetics (formerly Invitae), Labcorp
Classification: Uncertain significance for Perlman syndrome. Last evaluated: 2024-04-22. Review status: criteria provided, single submitter. Criteria: Invitae Variant Classification Sherloc (09022015). Collection method: clinical testing. Allele origin: germline.
Comment: This sequence change replaces serine, which is neutral and polar, with leucine, which is neutral and non-polar, at codon 770 of the DIS3L2 protein (p.Ser770Leu). This variant is not present in population databases (gnomAD no frequency). This variant has not been reported in the literature in individuals affected with DIS3L2-related conditions. ClinVar contains an entry for this variant (Variation ID: 463103). Advanced modeling of protein sequence and biophysical properties (such as structural, functional, and spatial information, amino acid conservation, physicochemical variation, residue mobility, and thermodynamic stability) performed at Invitae indicates that this missense variant is not expected to disrupt DIS3L2 protein function with a negative predictive value of 80%. In summary, the available evidence is currently insufficient to determine the role of this variant in disease. Therefore, it has been classified as a Variant of Uncertain Significance.